The following is an entry in ClinVar:

NM_000565.4(IL6R):c.808-7C>A

Gene: IL6R (interleukin 6 receptor; plus strand). Cytogenetic location: 1q21.3.
Variant type: single nucleotide variant.
Coding change: c.808-7C>A on transcript NM_000565.4 (MANE Select); 7 bases into the intron before coding-DNA position 808, C replaced by A.
Molecular consequence: intron variant.
Genome position (GRCh38, 1-based): chr1:154,435,962, C>A. VCF-style: chr1-154435962-C-A. GRCh37 (hg19) VCF-style: chr1-154408438-C-A.
Other names: c.808-7C>A (NM_001382771.1, NM_001382773.1, NM_001382770.1 and 3 more transcripts); c.808-13C>A (NM_001382772.1); c.448-7C>A (NM_001382774.1).
Identifiers: ClinVar variation 1375470 (VCV001375470.6), dbSNP rs2149245692, ClinGen allele CA2573131068.

ClinVar aggregate classification (germline): Uncertain significance (1 of 4 stars; one submission).

Submission:

Labcorp Genetics (formerly Invitae), Labcorp
Classification: Uncertain significance. Last evaluated: 2022-07-26. Review status: criteria provided, single submitter. Criteria: Invitae Variant Classification Sherloc (09022015). Collection method: clinical testing. Allele origin: germline.
Comment: This sequence change falls in intron 5 of the IL6R gene. It does not directly change the encoded amino acid sequence of the IL6R protein. This variant is not present in population databases (gnomAD no frequency). This variant has not been reported in the literature in individuals affected with IL6R-related conditions. ClinVar contains an entry for this variant (Variation ID: 1375470). Algorithms developed to predict the effect of sequence changes on RNA splicing suggest that this variant may disrupt the consensus splice site. In summary, the available evidence is currently insufficient to determine the role of this variant in disease. Therefore, it has been classified as a Variant of Uncertain Significance.